The following is an entry in ClinVar:

ClinVar aggregate classification (germline): Pathogenic/Likely pathogenic. Review status: criteria provided, multiple submitters, no conflicts (2 of 4 stars). 2 submissions from 2 submitters: Pathogenic (1); Likely pathogenic (1). Last evaluated 2025-01-22.

Conditions:
Niemann-Pick disease, type C1. Also called: NEUROVISCERAL STORAGE DISEASE WITH VERTICAL SUPRANUCLEAR OPHTHALMOPLEGIA; NIEMANN-PICK DISEASE WITH CHOLESTEROL ESTERIFICATION BLOCK; NIEMANN-PICK DISEASE WITHOUT SPHINGOMYELINASE DEFICIENCY; NIEMANN-PICK DISEASE, CHRONIC NEURONOPATHIC FORM; NIEMANN-PICK DISEASE, VARIANT TYPE C1. Identifiers: Orphanet 646, MedGen C3179455, MONDO:0009757, OMIM 257220.

Submissions (2):

Natera, Inc.
Classification: Likely pathogenic for Niemann-Pick disease type C1. Last evaluated: 2025-01-22. Review status: criteria provided, single submitter. Criteria: Natera Variant Classification Schema (03/2026). Collection method: clinical testing. Allele origin: germline.
Comment: The c.3412_3413del variant in NPC1 is a frameshift variant predicted to shift the reading frame beginning at codon 1138 and leads to a stop codon 119 codons downstream. This variant is expected to result in nonsense mediated decay, truncation, or a dysfunctional protein product. This variant is rare in the general population with a frequency below the threshold expected for the associated phenotype(s). Given the available evidence, this variant is classified as Likely Pathogenic.

CENTOGENE GmbH and LLC - Guiding Precision Medicine
Classification: Pathogenic for Niemann-Pick disease, type C1. Last evaluated: 2022-08-30. Review status: criteria provided, single submitter. Criteria: ACMG Guidelines, 2015. Collection method: clinical testing. Allele origin: germline. Affected: yes.

NM_000271.5(NPC1):c.3412_3413del (p.Met1138fs)

Gene: NPC1 (NPC intracellular cholesterol transporter 1; minus strand). Cytogenetic location: 18q11.2.
Variant type: Deletion.
Coding change: c.3412_3413del on transcript NM_000271.5 (MANE Select); coding-DNA positions 3412 to 3413, 2 bases deleted (AT; older notation c.3412_3413delAT).
Protein change: p.Met1138fs; shifts the reading frame from methionine 1138.
Molecular consequence: frameshift variant.
Genome position (GRCh38, 1-based): chr18:23,535,533-23,535,534, AT deleted on the plus strand (AT on the coding strand, the reverse complement: NPC1 is on the minus strand). VCF-style (leftmost placement, unchanged base first): chr18-23535532-CAT-C. GRCh37 (hg19) VCF-style: chr18-21115496-CAT-C.
Other names: c.3412_3413delAT, p.Met1138Valfs (NM_000271.3); short protein forms M1138fs.
Identifiers: ClinVar variation 1705793 (VCV001705793.4), dbSNP rs2511189739, ClinGen allele CA2580095540.
Genomic context (GRCh38, chr18:23,535,532, plus strand): 5'-CACCAGGTTGACCAAGGATACAGCGTTCAGACTGATGCCCCAGAGCCACATAACTCCAAA[CAT>C]GTTGACCAAGACCATGGCGATGGTGGCACACATGATGACTGCAGACCAGAGCTCACAGCC-3'